The following is an entry in ClinVar:

NM_001384732.1(CPLANE1):c.7958A>G (p.Tyr2653Cys)

Gene: CPLANE1 (ciliogenesis and planar polarity effector complex subunit 1; minus strand). Cytogenetic location: 5p13.2.
Variant type: single nucleotide variant.
Coding change: c.7958A>G on transcript NM_001384732.1 (MANE Select); coding-DNA position 7958, A replaced by G.
Protein change: p.Tyr2653Cys; replaces tyrosine 2653 with cysteine.
Molecular consequence: missense variant.
Genome position (GRCh38, 1-based): chr5:37,157,723, T>C on the plus strand (A>G on the coding strand, the complement: CPLANE1 is on the minus strand). VCF-style: chr5-37157723-T-C. GRCh37 (hg19) VCF-style: chr5-37157825-T-C.
Other names: c.7904A>G, p.Tyr2635Cys (NM_023073.4); short protein forms Y2653C, Y2635C.
Identifiers: ClinVar variation 1523867 (VCV001523867.8), dbSNP rs371374142, ClinGen allele CA3237910.
Genomic context (GRCh38, chr5:37,157,723, plus strand): 5'-AAATTACCTTGACTCTTAAAATTATGTGGGGGAACAGCATTAGTAACTGAAGCTGCCATA[T>C]AATGTAACTCTGCAGACGATGGAACTGCTAGATGATCGCTTTGCTGTTTGATAACATTAT-3'
Protein context (NP_001371661.1, residues 2643-2663): LAVPSSAELH[Tyr2653Cys]MAASVTNAVP

ClinVar aggregate classification (germline): Conflicting classifications of pathogenicity. Review status: criteria provided, conflicting classifications (1 of 4 stars). 3 submissions from 3 submitters: Uncertain significance (2); Likely benign (1). Last evaluated 2025-10-04.

Conditions:
Joubert syndrome 17 (JBTS17). Identifiers: Orphanet 475, MedGen C3553264, MONDO:0013824, OMIM 614615.
Orofaciodigital syndrome type 6 (OFD6). Also called: OROFACIODIGITAL SYNDROME VI; OFDS VI; POLYDACTYLY, CLEFT LIP/PALATE OR LINGUAL LUMP, AND PSYCHOMOTOR RETARDATION; VARADI SYNDROME; VARADI-PAPP SYNDROME; Oral-facial-digital syndrome type 6. Identifiers: Orphanet 2754, MedGen C2745997, MONDO:0010176, OMIM 277170.

Allele frequency attached by ClinVar (database versions not stated): gnomAD exomes 0.00002 and 0.00005; ExAC 0.00003; gnomAD 0.00005 and 0.00006; TOPMed 0.00006; ESP Exome Variant Server 0.00015.
gnomAD v4.1: 74 of 1,613,916 alleles (0.0046%); highest among the groups gnomAD compares: Non-Finnish European, 0.0063%; no homozygotes.

Submissions (3):

Labcorp Genetics (formerly Invitae), Labcorp
Classification: Uncertain significance. Last evaluated: 2025-10-04. Review status: criteria provided, single submitter. Criteria: Invitae Variant Classification Sherloc (09022015). Collection method: clinical testing. Allele origin: germline.
Comment: This sequence change replaces tyrosine, which is neutral and polar, with cysteine, which is neutral and slightly polar, at codon 2635 of the CPLANE1 protein (p.Tyr2635Cys). The frequency data for this variant in the population databases is considered unreliable, as metrics indicate poor data quality at this position in the gnomAD database. This variant has not been reported in the literature in individuals affected with CPLANE1-related conditions. ClinVar contains an entry for this variant (Variation ID: 1523867). Invitae Evidence Modeling of protein sequence and biophysical properties (such as structural, functional, and spatial information, amino acid conservation, physicochemical variation, residue mobility, and thermodynamic stability) indicates that this missense variant is not expected to disrupt CPLANE1 protein function with a negative predictive value of 95%. In summary, the available evidence is currently insufficient to determine the role of this variant in disease. Therefore, it has been classified as a Variant of Uncertain Significance.

Blueprint Genetics
Classification: Likely benign. Last evaluated: 2024-08-02. Review status: criteria provided, single submitter. Criteria: ACMG Guidelines, 2015. Collection method: clinical testing. Allele origin: germline.

Fulgent Genetics
Classification: Uncertain significance for Orofaciodigital syndrome type 6; Joubert syndrome 17. Last evaluated: 2021-12-18. Review status: criteria provided, single submitter. Criteria: ACMG Guidelines, 2015. Collection method: clinical testing. Allele origin: unknown.